The following is an entry in ClinVar:

ClinVar aggregate classification (germline): Uncertain significance. Review status: criteria provided, multiple submitters, no conflicts (2 of 4 stars). 2 submissions from 2 submitters: Uncertain significance (2). Last evaluated 2022-06-20.

gnomAD v4.1: 10 of 1,607,384 alleles (0.00062%); highest among the groups gnomAD compares: Non-Finnish European, 0.00085%; no homozygotes.

Submissions (2):

Labcorp Genetics (formerly Invitae), Labcorp
Classification: Uncertain significance. Last evaluated: 2022-06-20. Review status: criteria provided, single submitter. Criteria: Invitae Variant Classification Sherloc (09022015). Collection method: clinical testing. Allele origin: germline.
Comment: In summary, the available evidence is currently insufficient to determine the role of this variant in disease. Therefore, it has been classified as a Variant of Uncertain Significance. This sequence change replaces leucine, which is neutral and non-polar, with phenylalanine, which is neutral and non-polar, at codon 192 of the KCNV2 protein (p.Leu192Phe). This variant is not present in population databases (gnomAD no frequency). This variant has not been reported in the literature in individuals affected with KCNV2-related conditions. ClinVar contains an entry for this variant (Variation ID: 1058011). Advanced modeling of protein sequence and biophysical properties (such as structural, functional, and spatial information, amino acid conservation, physicochemical variation, residue mobility, and thermodynamic stability) performed at Invitae indicates that this missense variant is not expected to disrupt KCNV2 protein function.

Blueprint Genetics
Classification: Uncertain significance. Last evaluated: 2019-05-15. Review status: criteria provided, single submitter. Criteria: ACMG Guidelines, 2015. Collection method: clinical testing. Allele origin: germline.

NM_133497.4(KCNV2):c.574C>T (p.Leu192Phe)

Gene: KCNV2 (potassium voltage-gated channel modifier subfamily V member 2; plus strand). Cytogenetic location: 9p24.2.
Variant type: single nucleotide variant.
Coding change: c.574C>T on transcript NM_133497.4 (MANE Select); coding-DNA position 574, C replaced by T.
Protein change: p.Leu192Phe; replaces leucine 192 with phenylalanine.
Molecular consequence: missense variant.
Genome position (GRCh38, 1-based): chr9:2,718,313, C>T. VCF-style: chr9-2718313-C-T. GRCh37 (hg19) VCF-style: chr9-2718313-C-T.
Other names: short protein forms L192F.
Identifiers: ClinVar variation 1058011 (VCV001058011.10), dbSNP rs1423174083, ClinGen allele CA372798474.